The following is an entry in ClinVar:

NM_001374736.1(DST):c.13676A>G (p.Asn4559Ser)

Gene: DST (dystonin; minus strand). Cytogenetic location: 6p12.1.
Variant type: single nucleotide variant.
Coding change: c.13676A>G on transcript NM_001374736.1 (MANE Select); coding-DNA position 13676, A replaced by G.
Protein change: p.Asn4559Ser; replaces asparagine 4559 with serine.
Molecular consequence: missense variant.
Genome position (GRCh38, 1-based): chr6:56,572,145, T>C on the plus strand (A>G on the coding strand, the complement: DST is on the minus strand). VCF-style: chr6-56572145-T-C. GRCh37 (hg19) VCF-style: chr6-56436943-T-C.
Other names: c.7319A>G, p.Asn2440Ser (NM_001144769.5); c.6905A>G, p.Asn2302Ser (NM_001144770.2); c.13676A>G, p.Asn4559Ser (NM_001374722.1); c.13043A>G, p.Asn4348Ser (NM_001374729.1); c.6785A>G, p.Asn2262Ser (NM_001374730.1, NM_001386100.1, NM_183380.4); c.13703A>G, p.Asn4568Ser (NM_001374734.1); c.5807A>G, p.Asn1936Ser (NM_015548.5); short protein forms N2302S, N2440S, N4559S, N1936S, N4348S, N4568S, N2262S.
Identifiers: ClinVar variation 1419366 (VCV001419366.6), dbSNP rs1238660945, ClinGen allele CA364526247.
Genomic context (GRCh38, chr6:56,572,145, plus strand): 5'-TAAAGTGGTACTTACTTTTCTTTGATGGTATCCTCCATTTCCTTGAATTTCTTTGACAAA[T>C]TATTTGTTTTTTCAAGGACCAAAGCCTTATCACTTGGTAAGCCATGGCTGGATATCTCCT-3'
Protein context (NP_001361665.1, residues 4549-4569): DKALVLEKTN[Asn4559Ser]LSKKFKEMED

ClinVar aggregate classification (germline): Uncertain significance (1 of 4 stars; one submission).

Conditions:
Epidermolysis bullosa simplex 3, localized or generalized intermediate, with BP230 deficiency (EBS3). Also called: Epidermolysis bullosa simplex due to BP230 deficiency; Epidermolysis bullosa simplex, autosomal recessive 2. Identifiers: Orphanet 412181, MedGen C3809470, MONDO:0014180, OMIM 615425.
Hereditary sensory and autonomic neuropathy type 6. Also called: Neuropathy, hereditary sensory and autonomic, type VI; HSAN VI. Identifiers: Orphanet 314381, MedGen C3539003, MONDO:0013839, OMIM 614653.

Allele frequency attached by ClinVar (database versions not stated): gnomAD exomes below 0.00001.
gnomAD v4.1: 2 of 1,525,732 alleles (0.00013%); highest among the groups gnomAD compares: South Asian, 0.0027%; no homozygotes.

Submission:

Labcorp Genetics (formerly Invitae), Labcorp
Classification: Uncertain significance for Epidermolysis bullosa simplex 3, localized or generalized intermediate, with BP230 deficiency; Hereditary sensory and autonomic neuropathy type 6. Last evaluated: 2021-10-06. Review status: criteria provided, single submitter. Criteria: Invitae Variant Classification Sherloc (09022015). Collection method: clinical testing. Allele origin: germline.
Comment: In summary, the available evidence is currently insufficient to determine the role of this variant in disease. Therefore, it has been classified as a Variant of Uncertain Significance. Experimental studies and prediction algorithms are not available or were not evaluated, and the functional significance of this variant is currently unknown. This variant has not been reported in the literature in individuals affected with DST-related conditions. This variant is not present in population databases (ExAC no frequency). This sequence change replaces asparagine with serine at codon 1936 of the DST protein (p.Asn1936Ser). The DST gene has multiple clinically relevant transcripts. This variant occurs in alternate transcript NM_015548.4, and corresponds to NM_001723.5:c.*43372A>G in the primary transcript.